The following is an entry in ClinVar:

NM_182961.4(SYNE1):c.2394+4C>T

Gene: SYNE1 (spectrin repeat containing nuclear envelope protein 1; minus strand). Cytogenetic location: 6q25.2.
Variant type: single nucleotide variant.
Coding change: c.2394+4C>T on transcript NM_182961.4 (MANE Select); 4 bases into the intron after coding-DNA position 2394, C replaced by T.
Molecular consequence: intron variant.
Genome position (GRCh38, 1-based): chr6:152,461,593, G>A on the plus strand (C>T on the coding strand, the complement: SYNE1 is on the minus strand). VCF-style: chr6-152461593-G-A. GRCh37 (hg19) VCF-style: chr6-152782728-G-A.
Other names: c.2415+4C>T (NM_033071.5).
Identifiers: ClinVar variation 1058973 (VCV001058973.7), dbSNP rs749262350, ClinGen allele CA4059155.

ClinVar aggregate classification (germline): Uncertain significance (1 of 4 stars; one submission).

Conditions:
Emery-Dreifuss muscular dystrophy 4, autosomal dominant (EDMD4). Also called: EMERY-DREIFUSS MUSCULAR DYSTROPHY 4 WITH VARIABLE FEATURES. Identifiers: Orphanet 261, MedGen C2751807, MONDO:0013071, OMIM 612998.
Autosomal recessive ataxia, Beauce type. Also called: Spinocerebellar ataxia, autosomal recessive 8; ATAXIA, RECESSIVE, OF BEAUCE; SYNE1 Deficiency; SYNE1-Related Autosomal Recessive Cerebellar Ataxia. Identifiers: Orphanet 88644, MedGen C1853116, MONDO:0012549, OMIM 610743.

Allele frequency attached by ClinVar (database versions not stated): ExAC 0.00002; gnomAD 0.00002 and 0.00003; gnomAD exomes 0.00002; TOPMed 0.00002.
gnomAD v4.1: 23 of 1,613,776 alleles (0.0014%); highest among the groups gnomAD compares: Middle Eastern, 0.016%; no homozygotes.

Submission:

Labcorp Genetics (formerly Invitae), Labcorp
Classification: Uncertain significance for Emery-Dreifuss muscular dystrophy 4, autosomal dominant; Autosomal recessive ataxia, Beauce type. Last evaluated: 2023-06-29. Review status: criteria provided, single submitter. Criteria: Invitae Variant Classification Sherloc (09022015). Collection method: clinical testing. Allele origin: germline.
Comment: This sequence change falls in intron 21 of the SYNE1 gene. It does not directly change the encoded amino acid sequence of the SYNE1 protein. It affects a nucleotide within the consensus splice site. This variant is present in population databases (rs749262350, gnomAD 0.01%). This variant has not been reported in the literature in individuals affected with SYNE1-related conditions. ClinVar contains an entry for this variant (Variation ID: 1058973). Variants that disrupt the consensus splice site are a relatively common cause of aberrant splicing (PMID: 17576681, 9536098). Algorithms developed to predict the effect of sequence changes on RNA splicing suggest that this variant is not likely to affect RNA splicing. In summary, the available evidence is currently insufficient to determine the role of this variant in disease. Therefore, it has been classified as a Variant of Uncertain Significance.

Literature cited by the submitters: PubMed 17576681; PubMed 9536098.